The following is an entry in ClinVar:

NM_001379081.2(FREM1):c.2078+1G>A

Gene: FREM1 (FRAS1 related extracellular matrix 1; minus strand). Cytogenetic location: 9p22.3.
Variant type: single nucleotide variant.
Coding change: c.2078+1G>A on transcript NM_001379081.2 (MANE Select); the canonical splice donor site of the intron after coding-DNA position 2078, G replaced by A.
Molecular consequence: splice donor variant.
Genome position (GRCh38, 1-based): chr9:14,824,795, C>T on the plus strand (G>A on the coding strand, the complement: FREM1 is on the minus strand). VCF-style: chr9-14824795-C-T. GRCh37 (hg19) VCF-style: chr9-14824793-C-T.
Other names: c.2078+1G>A (NM_144966.7).
Identifiers: ClinVar variation 4851965 (VCV004851965.1).

ClinVar aggregate classification (germline): Pathogenic (1 of 4 stars; one submission).

Submission:

Dasa
Classification: Pathogenic. Last evaluated: 2025-07-24. Review status: criteria provided, single submitter. Criteria: DASA Assertion Criteria. Collection method: clinical testing. Allele origin: germline.
Comment: NM_001379081.2(FREM1):c.2078+1G>A introduces a premature termination codon predicted to result in loss of normal protein function. Loss-of-function is an established mechanism of disease for this gene. This variant results in the same amino acid change as a previously established pathogenic variant. This variant has been reported in individuals with related phenotype (PMID: 37535131). The variant is present at low frequency in population datasets. Based on the available data, this variant is classified as pathogenic.

Literature cited by the submitters: PubMed 37535131.